The following is an entry in ClinVar:

NM_014218.3(KIR2DL1):c.153A>C (p.Ser51=)

Gene: KIR2DL1 (killer cell immunoglobulin like receptor, two Ig domains and long cytoplasmic tail 1). Cytogenetic location: 19q13.42.
Variant type: single nucleotide variant.
Coding change: c.153A>C on transcript NM_014218.3 (MANE Select); coding-DNA position 153, A replaced by C.
Protein change: p.Ser51=; no amino-acid change (serine 51 retained).
Molecular consequence: synonymous variant.
Genome position (GRCh38, 1-based): chr19:54,773,415, A>C. VCF-style: chr19-54773415-A-C. GRCh37 (hg19) VCF-style: chr19-55284867-A-C.
Identifiers: ClinVar variation 4987052 (VCV004987052.1).
Genomic context (GRCh38, chr19:54,773,415, plus strand): 5'-CCTGGCCCACCCAGGTCGCCTGGTGAAATCAGAAGAGACAGTCATCCTGCAGTGTTGGTC[A>C]GATGTCATGTTTGAACACTTCCTTCTGCACAGAGAGGGGATGTTTAACGACACTTTGCGC-3'
Protein context (NP_055033.2, residues 41-61): SEETVILQCW[Ser51=]DVMFEHFLLH

ClinVar aggregate classification (germline): Likely benign (1 of 4 stars; one submission).

Conditions:
KIR2DL1-related disorder. Also called: KIR2DL1-related condition.

gnomAD v4.1: 37 of 1,593,260 alleles (0.0023%); highest among the groups gnomAD compares: Non-Finnish European, 0.003%; no homozygotes.

Submission:

PreventionGenetics, part of Exact Sciences
Classification: Likely benign for KIR2DL1-related condition. Last evaluated: 2026-03-20. Review status: criteria provided, single submitter. Criteria: ACMG Guidelines, 2015. Collection method: clinical testing. Allele origin: germline.
Comment: This variant is classified as likely benign based on ACMG/AMP sequence variant interpretation guidelines (Richards et al. 2015 PMID: 25741868, with internal and published modifications).